The following is an entry in ClinVar:

NM_000535.7(PMS2):c.629A>G (p.Lys210Arg)

Gene: PMS2 (PMS1 homolog 2, mismatch repair system component; minus strand). Cytogenetic location: 7p22.1.
Variant type: single nucleotide variant.
Coding change: c.629A>G on transcript NM_000535.7 (MANE Select); coding-DNA position 629, A replaced by G.
Protein change: p.Lys210Arg; replaces lysine 210 with arginine.
Molecular consequence: missense variant. On other transcripts: 5 prime UTR variant (2), non-coding transcript variant (1), intron variant (9).
Genome position (GRCh38, 1-based): chr7:5,999,184, T>C on the plus strand (A>G on the coding strand, the complement: PMS2 is on the minus strand). VCF-style: chr7-5999184-T-C. GRCh37 (hg19) VCF-style: chr7-6038815-T-C.
Other names: c.224A>G, p.Lys75Arg (NM_001018040.1, NM_001322003.2, NM_001322004.2 and 20 more transcripts); c.629A>G, p.Lys210Arg (NM_001322006.2, NM_001322014.2, NM_001406870.1 and 4 more transcripts); c.311A>G, p.Lys104Arg (NM_001322007.2, NM_001322008.2, NM_001406876.1 and 4 more transcripts); c.-305A>G (NM_001322011.2, NM_001322012.2); c.320A>G, p.Lys107Arg (NM_001322015.2, NM_001406875.1, NM_001406877.1 and 6 more transcripts); c.815A>G, p.Lys272Arg (NM_001406866.1); c.653A>G, p.Lys218Arg (NM_001406868.1); c.293A>G, p.Lys98Arg (NM_001406885.1); and 6 more; short protein forms K104R, K107R, K210R, K218R, K272R, K75R, K98R.
Identifiers: ClinVar variation 2677920 (VCV002677920.6), dbSNP rs753562256, ClinGen allele CA050664.
Genomic context (GRCh38, chr7:5,999,184, plus strand): 5'-ACAGAGCCGATATTTTCCTTTATGCTGGGGCTTCCACCTGTGCATACCACAGGCTGTCGT[T>C]TTCCTTGTCCAAGCTGATTGGTGCAACTTACACGGATGCCTGCTGAAATGATACAGTATG-3'
Protein context (NP_000526.2, residues 200-220): VSCTNQLGQG[Lys210Arg]RQPVVCTGGS

ClinVar aggregate classification (germline): Uncertain significance. Review status: criteria provided, multiple submitters, no conflicts (2 of 4 stars). 4 submissions from 4 submitters: Uncertain significance (4). Last evaluated 2025-11-19.

Conditions:
Hereditary cancer-predisposing syndrome. Also called: Neoplastic Syndromes, Hereditary; Tumor predisposition; Hereditary Cancer Syndrome; Hereditary neoplastic syndrome. Identifiers: Orphanet 140162, MedGen C0027672, MeSH D009386, MONDO:0015356.
Hereditary nonpolyposis colorectal neoplasms. Identifiers: MedGen C0009405, MeSH D003123.
Lynch syndrome 4 (LYNCH4). Also called: Hereditary non-polyposis colorectal cancer, type 4; Colorectal cancer, hereditary nonpolyposis, type 4. Identifiers: Orphanet 144, MedGen C1838333, MONDO:0013699, OMIM 614337. Disease mechanism: loss of function.

Allele frequency attached by ClinVar (database versions not stated): ExAC 0.00001; gnomAD exomes 0.00001.
gnomAD v4.1: 3 of 1,614,100 alleles (0.00019%); highest among the groups gnomAD compares: South Asian, 0.0033%; no homozygotes.

Submissions (4):

Color Diagnostics, LLC DBA Color Health
Classification: Uncertain significance for Hereditary cancer-predisposing syndrome. Last evaluated: 2025-11-19. Review status: criteria provided, single submitter. Criteria: ACMG Guidelines, 2015. Collection method: clinical testing. Allele origin: germline.
Comment: This missense variant replaces lysine with arginine at codon 210 of the PMS2 protein. Computational prediction suggests that this variant may not impact protein structure and function. To our knowledge, functional studies have not been reported for this variant. This variant has been reported in individuals affected with breast and/or ovarian (PMID: 31742824). This variant has been identified in 3/1614100 chromosomes in the general population by the Genome Aggregation Database (gnomAD). The available evidence is insufficient to determine the role of this variant in disease conclusively. Therefore, this variant is classified as a Variant of Uncertain Significance.

Ambry Genetics
Classification: Uncertain significance for Hereditary cancer-predisposing syndrome. Last evaluated: 2025-04-28. Review status: criteria provided, single submitter. Criteria: Ambry Variant Classification Scheme 2023. Collection method: clinical testing. Allele origin: germline.
Comment: The p.K210R variant (also known as c.629A>G), located in coding exon 6 of the PMS2 gene, results from an A to G substitution at nucleotide position 629. The lysine at codon 210 is replaced by arginine, an amino acid with highly similar properties. This amino acid position is highly conserved in available vertebrate species. In addition, this alteration is predicted to be tolerated by in silico analysis. Based on the available evidence, the clinical significance of this variant remains unclear.

Baylor Genetics
Classification: Uncertain significance for Lynch syndrome 4. Last evaluated: 2023-06-04. Review status: criteria provided, single submitter. Criteria: ACMG Guidelines, 2015. Collection method: clinical testing. Allele origin: unknown.

Labcorp Genetics (formerly Invitae), Labcorp
Classification: Uncertain significance for Hereditary nonpolyposis colorectal neoplasms. Last evaluated: 2023-04-12. Review status: criteria provided, single submitter. Criteria: Invitae Variant Classification Sherloc (09022015). Collection method: clinical testing. Allele origin: germline.
Comment: In summary, the available evidence is currently insufficient to determine the role of this variant in disease. Therefore, it has been classified as a Variant of Uncertain Significance. Advanced modeling of protein sequence and biophysical properties (such as structural, functional, and spatial information, amino acid conservation, physicochemical variation, residue mobility, and thermodynamic stability) performed at Invitae indicates that this missense variant is not expected to disrupt PMS2 protein function. This variant has not been reported in the literature in individuals affected with PMS2-related conditions. This variant is present in population databases (rs753562256, gnomAD 0.006%). This sequence change replaces lysine, which is basic and polar, with arginine, which is basic and polar, at codon 210 of the PMS2 protein (p.Lys210Arg).

Literature cited by the submitters: PubMed 31742824 (cited by Color Diagnostics, LLC DBA Color Health).